The following is an entry in ClinVar:

ClinVar aggregate classification (germline): Likely benign. Review status: criteria provided, multiple submitters, no conflicts (2 of 4 stars). 5 submissions from 5 submitters: Likely benign (4). 1 of the submissions does not count toward it. Last evaluated 2025-05-07.

Conditions:
TRAK1-related disorder. Also called: TRAK1-related condition.
Developmental and epileptic encephalopathy, 68. Also called: EPILEPTIC ENCEPHALOPATHY, EARLY INFANTILE, 68. Identifiers: MedGen C4748688, MONDO:0032598, OMIM 618201.
Inborn genetic diseases. Identifiers: MedGen C0950123, MeSH D030342.

Allele frequency attached by ClinVar (database versions not stated): gnomAD exomes 0.00017 and 0.00044; ExAC 0.00046; ESP Exome Variant Server 0.00085; gnomAD 0.00090 and 0.00096; TOPMed 0.00110; 1000 Genomes Project 30x 0.00125; 1000 Genomes Project 0.00140.
gnomAD v4.1: 382 of 1,487,500 alleles (0.026%); highest among the groups gnomAD compares: African/African-American, 0.34%; 3 homozygotes.

Submissions (5):

Labcorp Genetics (formerly Invitae), Labcorp
Classification: Likely benign. Last evaluated: 2025-05-07. Review status: criteria provided, single submitter. Criteria: Invitae Variant Classification Sherloc (09022015). Collection method: clinical testing. Allele origin: germline.

Ambry Genetics
Classification: Likely benign for Inborn genetic diseases. Last evaluated: 2024-12-22. Review status: criteria provided, single submitter. Criteria: Ambry Variant Classification Scheme 2023. Collection method: clinical testing. Allele origin: germline.

Fulgent Genetics
Classification: Likely benign for Developmental and epileptic encephalopathy, 68. Last evaluated: 2022-04-06. Review status: criteria provided, single submitter. Criteria: ACMG Guidelines, 2015. Collection method: clinical testing. Allele origin: unknown.

Breakthrough Genomics
Classification: Likely benign. Review status: criteria provided, single submitter. Criteria: ACMG Guidelines, 2015. Collection method: not provided. Allele origin: germline. Inheritance: Autosomal recessive inheritance. Affected: yes.

PreventionGenetics, part of Exact Sciences
Classification: Likely benign for TRAK1-related condition. Last evaluated: 2022-02-27. Review status: no assertion criteria provided. Collection method: clinical testing. Allele origin: germline. Not counted in ClinVar's aggregate classification.
Comment: This variant is classified as likely benign based on ACMG/AMP sequence variant interpretation guidelines (Richards et al. 2015 PMID: 25741868, with internal and published modifications).

NM_001042646.3(TRAK1):c.1451C>T (p.Pro484Leu)

Gene: TRAK1 (trafficking kinesin protein 1; plus strand). Cytogenetic location: 3p22.1.
Variant type: single nucleotide variant.
Coding change: c.1451C>T on transcript NM_001042646.3 (MANE Select); coding-DNA position 1451, C replaced by T.
Protein change: p.Pro484Leu; replaces proline 484 with leucine.
Molecular consequence: missense variant. On other transcripts: non-coding transcript variant (1).
Genome position (GRCh38, 1-based): chr3:42,202,459, C>T. VCF-style: chr3-42202459-C-T. GRCh37 (hg19) VCF-style: chr3-42243951-C-T.
Other names: c.1451C>T (NM_001042646.1); c.1451C>T, p.Pro484Leu (NM_001265608.2, NM_001349246.2, NM_001349247.2); c.1229C>T, p.Pro410Leu (NM_001265609.2, NM_001265610.1, NM_001349248.1 and 1 more transcripts); c.1139C>T, p.Pro380Leu (NM_001349245.1); c.1277C>T, p.Pro426Leu (NM_014965.5); short protein forms P410L, P380L, P484L, P426L.
Identifiers: ClinVar variation 734533 (VCV000734533.13), dbSNP rs138190882, ClinGen allele CA2333496.